The following is an entry in ClinVar:

NM_001371596.2(MFSD8):c.1102+2T>C

Gene: MFSD8 (major facilitator superfamily domain containing 8; minus strand). Cytogenetic location: 4q28.2.
Variant type: single nucleotide variant.
Coding change: c.1102+2T>C on transcript NM_001371596.2 (MANE Select); the canonical splice donor site of the intron after coding-DNA position 1102, T replaced by C.
Molecular consequence: splice donor variant. On other transcripts: intron variant (1).
Genome position (GRCh38, 1-based): chr4:127,921,858, A>G on the plus strand (T>C on the coding strand, the complement: MFSD8 is on the minus strand). VCF-style: chr4-127921858-A-G. GRCh37 (hg19) VCF-style: chr4-128843013-A-G.
Other names: c.820+2T>C (NM_001371595.1); c.652+2T>C (NM_001410765.1); c.967+2T>C (NM_001371590.2); c.1102+2T>C (NM_152778.4, NM_001371591.2, NM_152778.2); c.787+2T>C (NM_001363521.3); c.885-87T>C (NM_001410766.1); c.988+2T>C (NM_001371593.2); c.901+2T>C (NM_001363520.3); and 2 more.
Identifiers: ClinVar variation 2068020 (VCV002068020.6), dbSNP rs1312200609, ClinGen allele CA358171590.

ClinVar aggregate classification (germline): Pathogenic/Likely pathogenic. Review status: criteria provided, multiple submitters, no conflicts (2 of 4 stars). 3 submissions from 3 submitters: Pathogenic (1); Likely pathogenic (2). Last evaluated 2024-08-21.

Conditions:
Late-infantile neuronal ceroid lipofuscinosis. Also called: Jansky-Bielschowsky disease. Identifiers: MedGen C0022340, MONDO:0015674.
Neuronal ceroid lipofuscinosis 7 (CLN7). Also called: MFSD8-Related Neuronal Ceroid-Lipofuscinosis. Identifiers: Orphanet 168491, Orphanet 228366, MedGen C1838571, MONDO:0012588, OMIM 610951.

Allele frequency attached by ClinVar (database versions not stated): gnomAD exomes below 0.00001.
gnomAD v4.1: 1 of 1,614,058 alleles (0.000062%); highest among the groups gnomAD compares: Admixed American, 0.0017%; no homozygotes.

Submissions (3):

Natera, Inc.
Classification: Likely pathogenic for Late-infantile neuronal ceroid lipofuscinosis. Last evaluated: 2024-08-21. Review status: criteria provided, single submitter. Criteria: Natera Variant Classification Schema (03/2026). Collection method: clinical testing. Allele origin: germline.
Comment: The c.1102+2T>C variant in MFSD8 is a canonical splice donor site variant predicted to affect pre-mRNA splicing, which may result in an abnormal transcript and altered protein product. This variant is expected to result in nonsense mediated decay, truncation, or a dysfunctional protein product. This variant is rare in the general population with a frequency below the threshold expected for the associated phenotype(s). Given the available evidence, this variant is classified as Likely Pathogenic.

Labcorp Genetics (formerly Invitae), Labcorp
Classification: Likely pathogenic for Neuronal ceroid lipofuscinosis 7. Last evaluated: 2023-04-11. Review status: criteria provided, single submitter. Criteria: Invitae Variant Classification Sherloc (09022015). Collection method: clinical testing. Allele origin: germline.
Comment: Disruption of this splice site has been observed in individual(s) with clinical features of MFSD8-related conditions (PMID: 32005694). In summary, the currently available evidence indicates that the variant is pathogenic, but additional data are needed to prove that conclusively. Therefore, this variant has been classified as Likely Pathogenic. Algorithms developed to predict the effect of sequence changes on RNA splicing suggest that this variant may disrupt the consensus splice site. ClinVar contains an entry for this variant (Variation ID: 2068020). This variant is present in population databases (no rsID available, gnomAD 0.003%). This sequence change affects a donor splice site in intron 11 of the MFSD8 gene. It is expected to disrupt RNA splicing. Variants that disrupt the donor or acceptor splice site typically lead to a loss of protein function (PMID: 16199547), and loss-of-function variants in MFSD8 are known to be pathogenic (PMID: 19177532, 25227500, 28586915).

GeneDx
Classification: Pathogenic. Last evaluated: 2023-01-06. Review status: criteria provided, single submitter. Criteria: GeneDx Variant Classification Process June 2021. Collection method: clinical testing. Allele origin: germline. Affected: yes.
Comment: Canonical splice site variant predicted to result in a null allele in a gene for which loss of function is a known mechanism of disease; Not observed at significant frequency in large population cohorts (gnomAD); This variant is associated with the following publications: (PMID: 34457359, 35801630, 35457110, 32005694)

Literature cited by the submitters: PubMed 32005694 (cited by Labcorp Genetics (formerly Invitae), Labcorp); PubMed 16199547 (cited by Labcorp Genetics (formerly Invitae), Labcorp); PubMed 19177532 (cited by Labcorp Genetics (formerly Invitae), Labcorp); PubMed 25227500 (cited by Labcorp Genetics (formerly Invitae), Labcorp); PubMed 28586915 (cited by Labcorp Genetics (formerly Invitae), Labcorp).